The following is an entry in ClinVar:

ClinVar aggregate classification (germline): Uncertain significance (1 of 4 stars; one submission).

Conditions:
Short-rib thoracic dysplasia 14 with polydactyly (SRTD14). Identifiers: Orphanet 397715, MedGen C4225286, MONDO:0014688, OMIM 616546.
Joubert syndrome 23 (JBTS23). Identifiers: Orphanet 475, MedGen C4084822, MONDO:0014664, OMIM 616490.

Allele frequency attached by ClinVar (database versions not stated): gnomAD 0.00001; gnomAD exomes 0.00001.
gnomAD v4.1: 13 of 1,613,486 alleles (0.00081%); highest among the groups gnomAD compares: East Asian, 0.0045%; no homozygotes.

Submission:

Labcorp Genetics (formerly Invitae), Labcorp
Classification: Uncertain significance for Joubert syndrome 23; Short-rib thoracic dysplasia 14 with polydactyly. Last evaluated: 2022-04-24. Review status: criteria provided, single submitter. Criteria: Invitae Variant Classification Sherloc (09022015). Collection method: clinical testing. Allele origin: germline.
Comment: In summary, the available evidence is currently insufficient to determine the role of this variant in disease. Therefore, it has been classified as a Variant of Uncertain Significance. Algorithms developed to predict the effect of missense changes on protein structure and function output the following: SIFT: "Tolerated"; PolyPhen-2: "Benign"; Align-GVGD: "Class C0". The alanine amino acid residue is found in multiple mammalian species, which suggests that this missense change does not adversely affect protein function. This variant has not been reported in the literature in individuals affected with KIAA0586-related conditions. This variant is present in population databases (no rsID available, gnomAD 0.0009%). This sequence change replaces threonine, which is neutral and polar, with alanine, which is neutral and non-polar, at codon 970 of the KIAA0586 protein (p.Thr970Ala).

NM_001329943.3(KIAA0586):c.2749A>G (p.Thr917Ala)

Gene: KIAA0586 (KIAA0586; plus strand). Cytogenetic location: 14q23.1.
Variant type: single nucleotide variant.
Coding change: c.2749A>G on transcript NM_001329943.3 (MANE Select); coding-DNA position 2749, A replaced by G.
Protein change: p.Thr917Ala; replaces threonine 917 with alanine.
Molecular consequence: missense variant.
Genome position (GRCh38, 1-based): chr14:58,474,721, A>G. VCF-style: chr14-58474721-A-G. GRCh37 (hg19) VCF-style: chr14-58941439-A-G.
Other names: c.2908A>G, p.Thr970Ala (NM_001244189.2); c.2704A>G, p.Thr902Ala (NM_001244190.2); c.2494A>G, p.Thr832Ala (NM_001244191.2, NM_001329945.2, NM_001364700.1 and 1 more transcripts); c.2617A>G, p.Thr873Ala (NM_001244192.2); c.2329A>G, p.Thr777Ala (NM_001244193.2); c.2749A>G, p.Thr917Ala (NM_001329944.2, NM_001329946.2, NM_001329947.2); c.2521A>G, p.Thr841Ala (NM_014749.5); short protein forms T970A, T841A, T873A, T777A, T832A, T902A, T917A.
Identifiers: ClinVar variation 2158350 (VCV002158350.4), dbSNP rs1157326564, ClinGen allele CA389877949.
Genomic context (GRCh38, chr14:58,474,721, plus strand): 5'-AGAAGTGTTAAAGCTGATTCTACAAAATATAATGGTCCTCCATTTCCGCCAGTTGCTTCT[A>G]CTTTTCAGCCCACTGCTGATATTCTGGATAAAGTAATTGAGAGAAAAGAAACACTGGAAA-3'
Protein context (NP_001316872.1, residues 907-927): NGPPFPPVAS[Thr917Ala]FQPTADILDK